The following is an entry in ClinVar:

ClinVar aggregate classification (germline): Uncertain significance (1 of 4 stars; one submission).

Submission:

Labcorp Genetics (formerly Invitae), Labcorp
Classification: Uncertain significance. Last evaluated: 2022-04-30. Review status: criteria provided, single submitter. Criteria: Invitae Variant Classification Sherloc (09022015). Collection method: clinical testing. Allele origin: germline.
Comment: In summary, the available evidence is currently insufficient to determine the role of this variant in disease. Therefore, it has been classified as a Variant of Uncertain Significance. Algorithms developed to predict the effect of missense changes on protein structure and function are either unavailable or do not agree on the potential impact of this missense change (SIFT: "Deleterious"; PolyPhen-2: "Probably Damaging"; Align-GVGD: "Class C0"). This variant has not been reported in the literature in individuals affected with CDH2-related conditions. This variant is not present in population databases (gnomAD no frequency). This sequence change replaces lysine, which is basic and polar, with asparagine, which is neutral and polar, at codon 158 of the CDH2 protein (p.Lys158Asn).

NM_001792.5(CDH2):c.474G>C (p.Lys158Asn)

Gene: CDH2 (cadherin 2; minus strand). Cytogenetic location: 18q12.1.
Variant type: single nucleotide variant.
Coding change: c.474G>C on transcript NM_001792.5 (MANE Select); coding-DNA position 474, G replaced by C.
Protein change: p.Lys158Asn; replaces lysine 158 with asparagine.
Molecular consequence: missense variant.
Genome position (GRCh38, 1-based): chr18:28,011,918, C>G on the plus strand (G>C on the coding strand, the complement: CDH2 is on the minus strand). VCF-style: chr18-28011918-C-G. GRCh37 (hg19) VCF-style: chr18-25591882-C-G.
Other names: c.381G>C, p.Lys127Asn (NM_001308176.2); short protein forms K158N, K127N.
Identifiers: ClinVar variation 1486979 (VCV001486979.6), dbSNP rs1232510486, ClinGen allele CA402243897.
Genomic context (GRCh38, chr18:28,011,918, plus strand): 5'-TTGAGGAAAAGGTCCCCTGGAGTTTTCTGGCAAGTTGATTGGAGGGATGACCCAGTCTCT[C>G]TTCTGCCTTTGTAGGTGGCCACTGTGCTTACTGAATTGTCTTGGGAACACTATTTCTTCA-3'
Protein context (NP_001783.2, residues 148-168): SKHSGHLQRQ[Lys158Asn]RDWVIPPINL